The following is an entry in ClinVar:

ClinVar aggregate classification (germline): Likely pathogenic (3 of 4 stars; one submission).

Conditions:
Hereditary thrombocytopenia and hematologic cancer predisposition syndrome. Identifiers: Orphanet 71290, MedGen CN281654, MONDO:0011071.

Submission:

ClinGen Myeloid Malignancy Variant Curation Expert Panel
Classification: Likely pathogenic for Hereditary thrombocytopenia and hematologic cancer predisposition syndrome. Last evaluated: 2026-04-29. Review status: reviewed by expert panel. Criteria: ClinGen MyeloMalig ACMG Specifications V3.1. Collection method: curation. Allele origin: germline. Inheritance: Autosomal dominant inheritance.
Comment: NM_001754.5(RUNX1):c.581A>T (p.Lys194Ile) is a missense variant which affects one of the hotspot residues (K194) in the RHD (PM1_strong). This variant has a REVEL score ≥ 0.88 (0.945) (PP3) and is completely absent from all population databases with at least 20x coverage for RUNX1 (PM2_supporting). In summary, this variant meets criteria to be classified as likely pathogenic. ACMG/AMP criteria applied, as specified by the Myeloid Malignancy Variant Curation Expert Panel for RUNX1: PM1_strong, PP3, PM2_supporting.

NM_001754.5(RUNX1):c.581A>T (p.Lys194Ile)

Genes: RUNX1 (RUNX family transcription factor 1; minus strand), RUNX1-AS1 (RUNX1 antisense RNA 1; plus strand). Cytogenetic location: 21q22.12.
Variant type: single nucleotide variant.
Coding change: c.581A>T on transcript NM_001754.5 (MANE Select); coding-DNA position 581, A replaced by T.
Protein change: p.Lys194Ile; replaces lysine 194 with isoleucine.
Molecular consequence: missense variant.
Genome position (GRCh38, 1-based): chr21:34,859,506, T>A on the plus strand (A>T on the coding strand, the complement: RUNX1 is on the minus strand). VCF-style: chr21-34859506-T-A. GRCh37 (hg19) VCF-style: chr21-36231803-T-A.
Other names: NM_001754.5:c.581A>T; NM_001754.5(RUNX1):c.581A>T; p.Lys194Ile; c.500A>T, p.Lys167Ile (NM_001001890.3, NM_001122607.2); short protein forms K167I, K194I.
Identifiers: ClinVar variation 3340471 (VCV003340471.4).